The following is an entry in ClinVar:

ClinVar aggregate classification (germline): Benign (1 of 4 stars; one submission).

Conditions:
Bardet-Biedl syndrome 10 (BBS10). Identifiers: Orphanet 110, MedGen C1859568, MONDO:0014438, OMIM 615987.

Allele frequency attached by ClinVar (database versions not stated): gnomAD 0.00073 and 0.00219; TOPMed 0.00124; 1000 Genomes Project 30x 0.01499; 1000 Genomes Project 0.01697.

Submission:

Illumina Laboratory Services, Illumina
Classification: Benign for Bardet-Biedl syndrome 10. Last evaluated: 2018-01-12. Review status: criteria provided, single submitter. Criteria: ICSL Variant Classification Criteria 13 December 2019. Collection method: clinical testing. Allele origin: germline.
Comment: This variant was observed in the ICSL laboratory as part of a predisposition screen in an ostensibly healthy population. It had not been previously curated by ICSL or reported in the Human Gene Mutation Database (HGMD: prior to June 1st, 2018), and was therefore a candidate for classification through an automated scoring system. Utilizing variant allele frequency, disease prevalence and penetrance estimates, and inheritance mode, an automated score was calculated to assess if this variant is too frequent to cause the disease. Based on the score and internal cut-off values, a variant classified as benign is not then subjected to further curation. The score for this variant resulted in a classification of benign for this disease.

NM_024685.4(BBS10):c.*632T>C

Gene: BBS10 (Bardet-Biedl syndrome 10; minus strand). Cytogenetic location: 12q21.2.
Variant type: single nucleotide variant.
Coding change: c.*632T>C on transcript NM_024685.4 (MANE Select); 632 bases downstream of the stop codon, T replaced by C.
Molecular consequence: 3 prime UTR variant.
Genome position (GRCh38, 1-based): chr12:76,345,181, A>G on the plus strand (T>C on the coding strand, the complement: BBS10 is on the minus strand). VCF-style: chr12-76345181-A-G. GRCh37 (hg19) VCF-style: chr12-76738961-A-G.
Other names: c.*632T>C (LRG_1255t1).
Identifiers: ClinVar variation 310482 (VCV000310482.5), dbSNP rs78402495, ClinGen allele CA10643386.